The following is an entry in ClinVar:

ClinVar aggregate classification (germline): Uncertain significance (1 of 4 stars; one submission).

Submission:

Labcorp Genetics (formerly Invitae), Labcorp
Classification: Uncertain significance. Last evaluated: 2020-01-06. Review status: criteria provided, single submitter. Criteria: Invitae Variant Classification Sherloc (09022015). Collection method: clinical testing. Allele origin: germline.
Comment: This variant results in a copy number gain of the genomic region encompassing the full coding sequence of the CFAP410 gene. The boundaries of this event are unknown as they extend beyond the assayed region for this gene and therefore may encompass additional genes. As the precise location of this event is unknown, it may be in tandem or it may be located elsewhere in the genome. This variant has not been reported in the literature in individuals with CFAP410-related conditions. In summary, the available evidence is currently insufficient to determine the role of this variant in disease. Therefore, it has been classified as a Variant of Uncertain Significance.

NC_000021.8:g.(?_43792871)_(46330697_?)dup

Genes: AGPAT3 (1-acylglycerol-3-phosphate O-acyltransferase 3; plus strand), AIRE (autoimmune regulator; plus strand), CBS (cystathionine beta-synthase; minus strand), CFAP410 (cilia and flagella associated protein 410; minus strand), CRYAA (crystallin alpha A; plus strand) and 44 more. Cytogenetic location: 21q22.3.
Variant type: Duplication.
Identifiers: ClinVar variation 830669 (VCV000830669.1).